The following is an entry in ClinVar:

NM_004360.5(CDH1):c.1838A>T (p.Asn613Ile)

Gene: CDH1 (cadherin 1; plus strand). Cytogenetic location: 16q22.1.
Variant type: single nucleotide variant.
Coding change: c.1838A>T on transcript NM_004360.5 (MANE Select); coding-DNA position 1838, A replaced by T.
Protein change: p.Asn613Ile; replaces asparagine 613 with isoleucine.
Molecular consequence: missense variant. On other transcripts: 5 prime UTR variant (1).
Genome position (GRCh38, 1-based): chr16:68,822,127, A>T. VCF-style: chr16-68822127-A-T. GRCh37 (hg19) VCF-style: chr16-68856030-A-T.
Other names: c.1655A>T, p.Asn552Ile (NM_001317184.2); c.290A>T, p.Asn97Ile (NM_001317185.2); c.-128A>T (NM_001317186.2); short protein forms N552I, N613I, N97I.
Identifiers: ClinVar variation 3723814 (VCV003723814.2).
Genomic context (GRCh38, chr16:68,822,127, plus strand): 5'-CCATACCAGAACCTCGAACTATATTCTTCTGTGAGAGGAATCCAAAGCCTCAGGTCATAA[A>T]CATCATTGATGCAGACCTTCCTCCCAATACATCTCCCTTCACAGCAGAACTAACACACGG-3'
Protein context (NP_004351.1, residues 603-623): CERNPKPQVI[Asn613Ile]IIDADLPPNT

ClinVar aggregate classification (germline): Uncertain significance (1 of 4 stars; one submission).

Conditions:
Hereditary diffuse gastric adenocarcinoma (HDGC). Also called: DIFFUSE GASTRIC AND LOBULAR BREAST CANCER SYNDROME. Identifiers: Orphanet 26106, MedGen C1708349, MONDO:0007648, OMIM 137215.

Submission:

Labcorp Genetics (formerly Invitae), Labcorp
Classification: Uncertain significance for Hereditary diffuse gastric adenocarcinoma. Last evaluated: 2024-10-26. Review status: criteria provided, single submitter. Criteria: Invitae Variant Classification Sherloc (09022015). Collection method: clinical testing. Allele origin: germline.
Comment: This sequence change replaces asparagine, which is neutral and polar, with isoleucine, which is neutral and non-polar, at codon 613 of the CDH1 protein (p.Asn613Ile). This variant is not present in population databases (gnomAD no frequency). This variant has not been reported in the literature in individuals affected with CDH1-related conditions. An algorithm developed to predict the effect of missense changes on protein structure and function (PolyPhen-2) suggests that this variant is likely to be tolerated. In summary, the available evidence is currently insufficient to determine the role of this variant in disease. Therefore, it has been classified as a Variant of Uncertain Significance.